The following is an entry in ClinVar:

NM_004663.5(RAB11A):c.302A>G (p.Asn101Ser)

Gene: RAB11A (RAB11A, member RAS oncogene family; plus strand). Cytogenetic location: 15q22.31.
Variant type: single nucleotide variant.
Coding change: c.302A>G on transcript NM_004663.5 (MANE Select); coding-DNA position 302, A replaced by G.
Protein change: p.Asn101Ser; replaces asparagine 101 with serine.
Molecular consequence: missense variant.
Genome position (GRCh38, 1-based): chr15:65,877,827, A>G. VCF-style: chr15-65877827-A-G. GRCh37 (hg19) VCF-style: chr15-66170165-A-G.
Other names: c.302A>G, p.Asn101Ser (NM_001206836.2); short protein forms N101S.
Identifiers: ClinVar variation 4281919 (VCV004281919.1).
Genomic context (GRCh38, chr15:65,877,827, plus strand): 5'-ATCGTGGAGCTGTAGGTGCCTTATTGGTTTATGACATTGCTAAACATCTCACATATGAAA[A>G]TGTAGAGCGATGGCTGAAAGAACTGAGAGATCATGCTGATAGTAACATTGTTATCATGCT-3'
Protein context (NP_004654.1, residues 91-111): YDIAKHLTYE[Asn101Ser]VERWLKELRD

ClinVar aggregate classification (germline): Uncertain significance (1 of 4 stars; one submission).

Submission:

GeneDx
Classification: Uncertain significance. Last evaluated: 2025-04-18. Review status: criteria provided, single submitter. Criteria: GeneDx Variant Classification Process June 2021. Collection method: clinical testing. Allele origin: germline. Affected: yes.
Comment: Not observed at significant frequency in large population cohorts (gnomAD); In silico analysis supports that this missense variant has a deleterious effect on protein structure/function; Has not been previously published as pathogenic or benign to our knowledge